The following is an entry in ClinVar:

ClinVar aggregate classification (germline): Likely benign. Review status: criteria provided, multiple submitters, no conflicts (2 of 4 stars). 6 submissions from 5 submitters: Likely benign (6). Last evaluated 2026-07-01.

Conditions:
Developmental and epileptic encephalopathy, 14 (DEE14). Also called: Early infantile epileptic encephalopathy 14. Identifiers: Orphanet 293181, MedGen C3554195, MONDO:0013989, OMIM 614959.
Autosomal dominant nocturnal frontal lobe epilepsy 5. Also called: Epilepsy, nocturnal frontal lobe, 5; KCNT1-Related Epilepsy; CILIARY DYSKINESIA, PRIMARY, 28, WITHOUT SITUS INVERSUS; CILIARY DYSKINESIA, PRIMARY, 28, WITH SITUS INVERSUS. Identifiers: Orphanet 98784, MedGen C3554306, MONDO:0014002, OMIM 615005.

Allele frequency attached by ClinVar (database versions not stated): TOPMed 0.00008; ExAC 0.00009; gnomAD 0.00009 and 0.00011; gnomAD exomes 0.00009 and 0.00011.
gnomAD v4.1: 174 of 1,605,912 alleles (0.011%); highest among the groups gnomAD compares: Non-Finnish European, 0.013%; no homozygotes.

Submissions (6):

CeGaT Center for Human Genetics Tuebingen
Classification: Likely benign. Last evaluated: 2026-07-01. Review status: criteria provided, single submitter. Criteria: CeGaT Center For Human Genetics Tuebingen Variant Classification Criteria Version 2. Collection method: clinical testing. Allele origin: germline. Affected: yes. Observed: 2 variant alleles.
Comment: KCNT1: BP4, BP7

Labcorp Genetics (formerly Invitae), Labcorp
Classification: Likely benign for Autosomal dominant nocturnal frontal lobe epilepsy 5; Developmental and epileptic encephalopathy, 14. Last evaluated: 2025-10-29. Review status: criteria provided, single submitter. Criteria: Invitae Variant Classification Sherloc (09022015). Collection method: clinical testing. Allele origin: germline.

Blueprint Genetics
Classification: Likely benign. Last evaluated: 2024-11-14. Review status: criteria provided, single submitter. Criteria: ACMG Guidelines, 2015. Collection method: clinical testing. Allele origin: germline.

Genome-Nilou Lab
Classification: Likely benign for Developmental and epileptic encephalopathy, 14. Last evaluated: 2022-03-15. Review status: criteria provided, single submitter. Criteria: ACMG Guidelines, 2015. Collection method: clinical testing. Allele origin: germline. Affected: no.

Genome-Nilou Lab
Classification: Likely benign for Autosomal dominant nocturnal frontal lobe epilepsy 5. Last evaluated: 2022-03-15. Review status: criteria provided, single submitter. Criteria: ACMG Guidelines, 2015. Collection method: clinical testing. Allele origin: germline. Affected: no.

Athena Diagnostics
Classification: Likely benign. Last evaluated: 2016-12-01. Review status: criteria provided, single submitter. Criteria: Athena Diagnostics Criteria. Collection method: clinical testing. Allele origin: germline.

NM_020822.3(KCNT1):c.2898C>T (p.Ala966=)

Gene: KCNT1 (potassium sodium-activated channel subfamily T member 1; plus strand). Cytogenetic location: 9q34.3.
Variant type: single nucleotide variant.
Coding change: c.2898C>T on transcript NM_020822.3 (MANE Select); coding-DNA position 2898, C replaced by T.
Protein change: p.Ala966=; no amino-acid change (alanine 966 retained).
Molecular consequence: synonymous variant.
Genome position (GRCh38, 1-based): chr9:135,784,080, C>T. VCF-style: chr9-135784080-C-T. GRCh37 (hg19) VCF-style: chr9-138675926-C-T.
Other names: c.2763C>T, p.Ala921= (NM_001272003.2).
Identifiers: ClinVar variation 417216 (VCV000417216.33), dbSNP rs762968242, ClinGen allele CA5327499.